The following is an entry in ClinVar:

NM_001367624.2(ZNF469):c.7938G>C (p.Glu2646Asp)

Gene: ZNF469 (zinc finger protein 469; plus strand). Cytogenetic location: 16q24.2.
Variant type: single nucleotide variant.
Coding change: c.7938G>C on transcript NM_001367624.2 (MANE Select); coding-DNA position 7938, G replaced by C.
Protein change: p.Glu2646Asp; replaces glutamic acid 2646 with aspartic acid.
Molecular consequence: missense variant.
Genome position (GRCh38, 1-based): chr16:88,435,408, G>C. VCF-style: chr16-88435408-G-C. GRCh37 (hg19) VCF-style: chr16-88501816-G-C.
Other names: short protein forms E2646D.
Identifiers: ClinVar variation 1474217 (VCV001474217.8), dbSNP rs2142311644, ClinGen allele CA397115476.

ClinVar aggregate classification (germline): Uncertain significance (1 of 4 stars; one submission).

Submission:

Labcorp Genetics (formerly Invitae), Labcorp
Classification: Uncertain significance. Last evaluated: 2021-07-09. Review status: criteria provided, single submitter. Criteria: Invitae Variant Classification Sherloc (09022015). Collection method: clinical testing. Allele origin: germline.
Comment: This variant has not been reported in the literature in individuals affected with ZNF469-related conditions. This variant is not present in population databases (ExAC no frequency). This sequence change replaces glutamic acid with aspartic acid at codon 2618 of the ZNF469 protein (p.Glu2618Asp). The glutamic acid residue is weakly conserved and there is a small physicochemical difference between glutamic acid and aspartic acid. Algorithms developed to predict the effect of missense changes on protein structure and function output the following: SIFT: "Tolerated"; PolyPhen-2: "Benign"; Align-GVGD: "Class C0". The aspartic acid amino acid residue is found in multiple mammalian species, which suggests that this missense change does not adversely affect protein function. In summary, the available evidence is currently insufficient to determine the role of this variant in disease. Therefore, it has been classified as a Variant of Uncertain Significance.